The following is an entry in ClinVar:

NM_000474.4(TWIST1):c.398_400del (p.Lys133del)

Gene: TWIST1 (twist family bHLH transcription factor 1; minus strand). Cytogenetic location: 7p21.1.
Variant type: Deletion.
Coding change: c.398_400del on transcript NM_000474.4 (MANE Select); coding-DNA positions 398 to 400, 3 bases deleted (AGA; older notation c.398_400delAGA).
Protein change: p.Lys133del; deletes lysine 133.
Molecular consequence: inframe deletion. On other transcripts: non-coding transcript variant (1).
Genome position (GRCh38, 1-based): chr7:19,116,922-19,116,924, TCT deleted on the plus strand (AGA on the coding strand, the reverse complement: TWIST1 is on the minus strand); deleting any 3 consecutive bases within chr7:19,116,922-19,116,926 gives the same sequence; the c. name uses the placement nearest the transcript's 3' end. VCF-style (leftmost placement, unchanged base first): chr7-19116921-ATCT-A. GRCh37 (hg19) VCF-style: chr7-19156544-ATCT-A.
Other names: short protein forms K133del.
Identifiers: ClinVar variation 521675 (VCV000521675.6), dbSNP rs1554441994, ClinGen allele CA658796909.

ClinVar aggregate classification (germline): Conflicting classifications of pathogenicity. Review status: criteria provided, conflicting classifications (1 of 4 stars). 2 submissions from 2 submitters: Likely pathogenic (1); Uncertain significance (1). Last evaluated 2026-06-16.

Conditions:
Inborn genetic diseases. Identifiers: MedGen C0950123, MeSH D030342.

Submissions (2):

Ambry Genetics
Classification: Likely pathogenic for Inborn genetic diseases. Last evaluated: 2026-06-16. Review status: criteria provided, single submitter. Criteria: Ambry Variant Classification Scheme 2023. Collection method: clinical testing. Allele origin: germline.
Comment: The c.398_400delAGA (p.K133del) variant, located in coding exon 1 of the TWIST1 gene, results from an in-frame deletion of 3 nucleotides at positions 398 to 400. This results in the deletion of a lysine (K) at codon 133. This variant was not reported in population-based cohorts in the Genome Aggregation Database (gnomAD). This amino acid position is well conserved in available vertebrate species. This variant is predicted to be deleterious by in silico analysis (Choi, 2012). Based on the available evidence, this alteration is classified as likely pathogenic.

Blueprint Genetics
Classification: Uncertain significance. Last evaluated: 2022-04-09. Review status: criteria provided, single submitter. Criteria: ACMG Guidelines, 2015. Collection method: clinical testing. Allele origin: germline.